The following is an entry in ClinVar:

NM_014679.5(CEP57):c.272A>G (p.Glu91Gly)

Gene: CEP57 (centrosomal protein 57; plus strand). Cytogenetic location: 11q21.
Variant type: single nucleotide variant.
Coding change: c.272A>G on transcript NM_014679.5 (MANE Select); coding-DNA position 272, A replaced by G.
Protein change: p.Glu91Gly; replaces glutamic acid 91 with glycine.
Molecular consequence: missense variant.
Genome position (GRCh38, 1-based): chr11:95,813,001, A>G. VCF-style: chr11-95813001-A-G. GRCh37 (hg19) VCF-style: chr11-95546165-A-G.
Other names: c.245A>G, p.Glu82Gly (NM_001243776.2); c.272A>G, p.Glu91Gly (NM_001243777.2); c.191A>G, p.Glu64Gly (NM_001363604.2); short protein forms E82G, E64G, E91G.
Identifiers: ClinVar variation 3490826 (VCV003490826.1).

ClinVar aggregate classification (germline): Uncertain significance (1 of 4 stars; one submission).

Conditions:
Inborn genetic diseases. Identifiers: MedGen C0950123, MeSH D030342.

Submission:

Ambry Genetics
Classification: Uncertain significance for Inborn genetic diseases. Last evaluated: 2024-11-22. Review status: criteria provided, single submitter. Criteria: Ambry Variant Classification Scheme 2023. Collection method: clinical testing. Allele origin: germline.
Comment: The p.E91G variant (also known as c.272A>G), located in coding exon 3 of the CEP57 gene, results from an A to G substitution at nucleotide position 272. The glutamic acid at codon 91 is replaced by glycine, an amino acid with similar properties. This amino acid position is conserved. In addition, this alteration is predicted to be deleterious by in silico analysis. Based on the available evidence, the clinical significance of this variant remains unclear.